The following is an entry in ClinVar:

NM_000455.5(STK11):c.701T>G (p.Phe234Cys)

Gene: STK11 (serine/threonine kinase 11; plus strand). Cytogenetic location: 19p13.3.
Variant type: single nucleotide variant.
Coding change: c.701T>G on transcript NM_000455.5 (MANE Select); coding-DNA position 701, T replaced by G.
Protein change: p.Phe234Cys; replaces phenylalanine 234 with cysteine.
Molecular consequence: missense variant. On other transcripts: non-coding transcript variant (1).
Genome position (GRCh38, 1-based): chr19:1,220,684, T>G. VCF-style: chr19-1220684-T-G. GRCh37 (hg19) VCF-style: chr19-1220683-T-G.
Other names: c.701T>G, p.Phe234Cys (NM_001407255.1); short protein forms F234C.
Identifiers: ClinVar variation 3802381 (VCV003802381.1).
Genomic context (GRCh38, chr19:1,220,684, plus strand): 5'-AGGGCTCCCCGGCTTTCCAGCCGCCCGAGATTGCCAACGGCCTGGACACCTTCTCCGGCT[T>G]CAAGGTGGACATCTGGTCGGCTGGGGTCACCCTGTAAGTGCCCCGCCCCCCCGGGCACTC-3'
Protein context (NP_000446.1, residues 224-244): IANGLDTFSG[Phe234Cys]KVDIWSAGVT

ClinVar aggregate classification (germline): Uncertain significance (1 of 4 stars; one submission).

Conditions:
Hereditary cancer-predisposing syndrome. Also called: Neoplastic Syndromes, Hereditary; Hereditary Cancer Syndrome; Tumor predisposition; Hereditary neoplastic syndrome. Identifiers: Orphanet 140162, MedGen C0027672, MeSH D009386, MONDO:0015356.

Submission:

Ambry Genetics
Classification: Uncertain significance for Hereditary cancer-predisposing syndrome. Last evaluated: 2024-12-15. Review status: criteria provided, single submitter. Criteria: Ambry Variant Classification Scheme 2023. Collection method: clinical testing. Allele origin: germline.
Comment: The p.F234C variant (also known as c.701T>G), located in coding exon 5 of the STK11 gene, results from a T to G substitution at nucleotide position 701. The phenylalanine at codon 234 is replaced by cysteine, an amino acid with highly dissimilar properties. This amino acid position is conserved. In addition, this alteration is predicted to be deleterious by in silico analysis. Based on the available evidence, the clinical significance of this variant remains unclear.